The following is an entry in ClinVar:

NM_000310.4(PPT1):c.146T>G (p.Leu49Ter)

Gene: PPT1 (palmitoyl-protein thioesterase 1; minus strand). Cytogenetic location: 1p34.2.
Variant type: single nucleotide variant.
Coding change: c.146T>G on transcript NM_000310.4 (MANE Select); coding-DNA position 146, T replaced by G.
Protein change: p.Leu49Ter; replaces leucine 49 with a stop codon.
Molecular consequence: nonsense. On other transcripts: intron variant (1).
Genome position (GRCh38, 1-based): chr1:40,092,486, A>C on the plus strand (T>G on the coding strand, the complement: PPT1 is on the minus strand). VCF-style: chr1-40092486-A-C. GRCh37 (hg19) VCF-style: chr1-40558158-A-C.
Other names: c.146T>G, p.Leu49Ter (NM_001363695.2); c.125-2974T>G (NM_001142604.2); short protein forms L49*.
Identifiers: ClinVar variation 635061 (VCV000635061.1), dbSNP rs1557714302, ClinGen allele CA339850103.

ClinVar aggregate classification (germline): Likely pathogenic (1 of 4 stars; one submission).

Conditions:
Neuronal ceroid lipofuscinosis 1 (CLN1). Also called: CEROID LIPOFUSCINOSIS, NEURONAL, 1, VARIABLE AGE AT ONSET; PPT1-Related Neuronal Ceroid-Lipofuscinosis. Identifiers: Orphanet 228329, MedGen C1850451, MONDO:0009744, OMIM 256730.

Submission:

Broad Center for Mendelian Genomics, Broad Institute of MIT and Harvard
Classification: Likely pathogenic for Neuronal ceroid lipofuscinosis 1. Last evaluated: 2018-06-15. Review status: criteria provided, single submitter. Criteria: ACMG Guidelines, 2015. Collection method: research. Allele origin: germline. Inheritance: Autosomal recessive inheritance. Affected: yes. Clinical features observed: Developmental delay, Abnormality of Brain Morphology.
Comment: The homozygous p.Leu49Ter variant was identified by our study in two siblings with neuronal ceroid lipofuscinosis. This variant was absent from large population studies and computational prediction tools suggest that this variant may impact the protein. Loss of function of the PPT1 gene is an established disease mechanism in autosomal recessive neuronal ceroid lipofuscinosis, and this is a loss of function variant. In summary, although additional studies are required to fully establish its pathogenicity, this variant is likely pathogenic.